The following is an entry in ClinVar:

ClinVar aggregate classification (germline): Uncertain significance (1 of 4 stars; one submission).

Conditions:
Fanconi anemia (FA). Also called: Fanconi's anemia. Identifiers: Orphanet 84, MedGen C0015625, MeSH D005199, MONDO:0019391.

gnomAD v4.1: 1 of 1,189,503 alleles (0.000084%); highest among the groups gnomAD compares: East Asian, 0.003%; no homozygotes.

Submission:

Labcorp Genetics (formerly Invitae), Labcorp
Classification: Uncertain significance for Fanconi anemia. Last evaluated: 2024-07-23. Review status: criteria provided, single submitter. Criteria: Invitae Variant Classification Sherloc (09022015). Collection method: clinical testing. Allele origin: germline.
Comment: This sequence change replaces leucine, which is neutral and non-polar, with valine, which is neutral and non-polar, at codon 354 of the FANCB protein (p.Leu354Val). This variant is present in population databases (rs754149022, gnomAD 0.02%), including at least one homozygous and/or hemizygous individual. This variant has not been reported in the literature in individuals affected with FANCB-related conditions. Advanced modeling of protein sequence and biophysical properties (such as structural, functional, and spatial information, amino acid conservation, physicochemical variation, residue mobility, and thermodynamic stability) performed at Invitae indicates that this missense variant is expected to disrupt FANCB protein function with a positive predictive value of 80%. In summary, the available evidence is currently insufficient to determine the role of this variant in disease. Therefore, it has been classified as a Variant of Uncertain Significance.

NM_001018113.3(FANCB):c.1060C>G (p.Leu354Val)

Gene: FANCB (FA complementation group B; minus strand). Cytogenetic location: Xp22.2.
Variant type: single nucleotide variant.
Coding change: c.1060C>G on transcript NM_001018113.3 (MANE Select); coding-DNA position 1060, C replaced by G.
Protein change: p.Leu354Val; replaces leucine 354 with valine.
Molecular consequence: missense variant.
Genome position (GRCh38, 1-based): chrX:14,859,226, G>C on the plus strand (C>G on the coding strand, the complement: FANCB is on the minus strand). VCF-style: chrX-14859226-G-C. GRCh37 (hg19) VCF-style: chrX-14877348-G-C.
Other names: c.1060C>G, p.Leu354Val (NM_001324162.2, NM_001410764.1, NM_152633.4); short protein forms L354V.
Identifiers: ClinVar variation 3667078 (VCV003667078.1).